The following is an entry in ClinVar:

NM_020822.3(KCNT1):c.3649A>G (p.Ser1217Gly)

Gene: KCNT1 (potassium sodium-activated channel subfamily T member 1; plus strand). Cytogenetic location: 9q34.3.
Variant type: single nucleotide variant.
Coding change: c.3649A>G on transcript NM_020822.3 (MANE Select); coding-DNA position 3649, A replaced by G.
Protein change: p.Ser1217Gly; replaces serine 1217 with glycine.
Molecular consequence: missense variant.
Genome position (GRCh38, 1-based): chr9:135,792,102, A>G. VCF-style: chr9-135792102-A-G. GRCh37 (hg19) VCF-style: chr9-138683948-A-G.
Other names: c.3577A>G, p.Ser1193Gly (NM_001272003.2); short protein forms S1217G, S1193G.
Identifiers: ClinVar variation 1406439 (VCV001406439.10), dbSNP rs2131606216, ClinGen allele CA375494447.

ClinVar aggregate classification (germline): Uncertain significance (1 of 4 stars; one submission).

Conditions:
Autosomal dominant nocturnal frontal lobe epilepsy 5. Also called: CILIARY DYSKINESIA, PRIMARY, 28, WITH SITUS INVERSUS; KCNT1-Related Epilepsy; CILIARY DYSKINESIA, PRIMARY, 28, WITHOUT SITUS INVERSUS; Epilepsy, nocturnal frontal lobe, 5. Identifiers: Orphanet 98784, MedGen C3554306, MONDO:0014002, OMIM 615005.
Developmental and epileptic encephalopathy, 14 (DEE14). Also called: Early infantile epileptic encephalopathy 14. Identifiers: Orphanet 293181, MedGen C3554195, MONDO:0013989, OMIM 614959.

Submission:

Labcorp Genetics (formerly Invitae), Labcorp
Classification: Uncertain significance for Autosomal dominant nocturnal frontal lobe epilepsy 5; Developmental and epileptic encephalopathy, 14. Last evaluated: 2023-04-13. Review status: criteria provided, single submitter. Criteria: Invitae Variant Classification Sherloc (09022015). Collection method: clinical testing. Allele origin: germline.
Comment: In summary, the available evidence is currently insufficient to determine the role of this variant in disease. Therefore, it has been classified as a Variant of Uncertain Significance. Advanced modeling of protein sequence and biophysical properties (such as structural, functional, and spatial information, amino acid conservation, physicochemical variation, residue mobility, and thermodynamic stability) performed at Invitae indicates that this missense variant is not expected to disrupt KCNT1 protein function. ClinVar contains an entry for this variant (Variation ID: 1406439). This variant has not been reported in the literature in individuals affected with KCNT1-related conditions. This variant is not present in population databases (gnomAD no frequency). This sequence change replaces serine, which is neutral and polar, with glycine, which is neutral and non-polar, at codon 1217 of the KCNT1 protein (p.Ser1217Gly).